The following is an entry in ClinVar:

NM_001376.5(DYNC1H1):c.10693A>G (p.Ser3565Gly)

Gene: DYNC1H1 (dynein cytoplasmic 1 heavy chain 1; plus strand). Cytogenetic location: 14q32.31.
Variant type: single nucleotide variant.
Coding change: c.10693A>G on transcript NM_001376.5 (MANE Select); coding-DNA position 10693, A replaced by G.
Protein change: p.Ser3565Gly; replaces serine 3565 with glycine.
Molecular consequence: missense variant.
Genome position (GRCh38, 1-based): chr14:102,034,391, A>G. VCF-style: chr14-102034391-A-G. GRCh37 (hg19) VCF-style: chr14-102500728-A-G.
Other names: short protein forms S3565G.
Identifiers: ClinVar variation 931272 (VCV000931272.11), dbSNP rs2048546542, ClinGen allele CA391028238.

ClinVar aggregate classification (germline): Conflicting classifications of pathogenicity. Review status: criteria provided, conflicting classifications (1 of 4 stars). 2 submissions from 2 submitters: Uncertain significance (1); Likely benign (1). Last evaluated 2024-02-23.

Conditions:
Charcot-Marie-Tooth disease axonal type 2O. Also called: Charcot-Marie-Tooth Neuropathy Type 2O; CHARCOT-MARIE-TOOTH NEUROPATHY, AXONAL, TYPE 2O; CHARCOT-MARIE-TOOTH DISEASE, AXONAL, AUTOSOMAL DOMINANT, TYPE 2O; Charcot-Marie-Tooth disease, axonal, type 20. Identifiers: Orphanet 284232, MedGen C3280220, MONDO:0013644, OMIM 614228.

Allele frequency attached by ClinVar (database versions not stated): gnomAD exomes below 0.00001.
gnomAD v4.1: 1 of 1,614,016 alleles (0.000062%); highest among the groups gnomAD compares: Non-Finnish European, 0.000085%; no homozygotes.

Submissions (2):

Labcorp Genetics (formerly Invitae), Labcorp
Classification: Likely benign for Charcot-Marie-Tooth disease axonal type 2O. Last evaluated: 2024-02-23. Review status: criteria provided, single submitter. Criteria: Invitae Variant Classification Sherloc (09022015). Collection method: clinical testing. Allele origin: germline.

Centre for Mendelian Genomics, University Medical Centre Ljubljana
Classification: Uncertain significance for Charcot-Marie-Tooth disease axonal type 2O. Last evaluated: 2018-12-14. Review status: criteria provided, single submitter. Criteria: ACMG Guidelines, 2015. Collection method: clinical testing. Allele origin: unknown. Affected: yes.
Comment: This variant was classified as: Uncertain significance. The available evidence on this variant's pathogenicity is insufficient or conflicting. The following ACMG criteria were applied in classifying this variant: PM2,BS4.